The following is an entry in ClinVar:

NM_138393.4(REEP6):c.408T>A (p.Tyr136Ter)

Gene: REEP6 (receptor accessory protein 6; plus strand). Cytogenetic location: 19p13.3.
Variant type: single nucleotide variant.
Coding change: c.408T>A on transcript NM_138393.4 (MANE Select); coding-DNA position 408, T replaced by A.
Protein change: p.Tyr136Ter; replaces tyrosine 136 with a stop codon.
Molecular consequence: nonsense.
Genome position (GRCh38, 1-based): chr19:1,496,344, T>A. VCF-style: chr19-1496344-T-A. GRCh37 (hg19) VCF-style: chr19-1496343-T-A.
Other names: c.408T>A, p.Tyr136Ter (NM_001329556.3); short protein forms Y136*.
Identifiers: ClinVar variation 2745329 (VCV002745329.4), dbSNP rs2512807049, ClinGen allele CA403056994.

ClinVar aggregate classification (germline): Pathogenic/Likely pathogenic. Review status: criteria provided, multiple submitters, no conflicts (2 of 4 stars). 2 submissions from 2 submitters: Pathogenic (1); Likely pathogenic (1). Last evaluated 2023-07-19.

Conditions:
REEP6-related disorder. Also called: REEP6-related condition.

Allele frequency attached by ClinVar (database versions not stated): gnomAD exomes below 0.00001.
gnomAD v4.1: 1 of 1,612,964 alleles (0.000062%); highest among the groups gnomAD compares: South Asian, 0.0011%; no homozygotes.

Submissions (2):

Labcorp Genetics (formerly Invitae), Labcorp
Classification: Pathogenic. Last evaluated: 2023-07-19. Review status: criteria provided, single submitter. Criteria: Invitae Variant Classification Sherloc (09022015). Collection method: clinical testing. Allele origin: germline.
Comment: This sequence change creates a premature translational stop signal (p.Tyr136*) in the REEP6 gene. It is expected to result in an absent or disrupted protein product. Loss-of-function variants in REEP6 are known to be pathogenic (PMID: 27889058, 29120066). This variant is not present in population databases (gnomAD no frequency). This variant has not been reported in the literature in individuals affected with REEP6-related conditions. Algorithms developed to predict the effect of sequence changes on RNA splicing suggest that this variant may create or strengthen a splice site. For these reasons, this variant has been classified as Pathogenic.

Blueprint Genetics
Classification: Likely pathogenic for REEP6-related disorders. Last evaluated: 2020-01-13. Review status: criteria provided, single submitter. Criteria: ACMG Guidelines, 2015. Collection method: clinical testing. Allele origin: germline. Affected: yes. Observed: 2 variant alleles.

Literature cited by the submitters: PubMed 27889058 (cited by Labcorp Genetics (formerly Invitae), Labcorp); PubMed 29120066 (cited by Labcorp Genetics (formerly Invitae), Labcorp).